The following is an entry in ClinVar:

NM_016284.5(CNOT1):c.2128C>A (p.Gln710Lys)

Gene: CNOT1 (CCR4-NOT transcription complex subunit 1; minus strand). Cytogenetic location: 16q21.
Variant type: single nucleotide variant.
Coding change: c.2128C>A on transcript NM_016284.5 (MANE Select); coding-DNA position 2128, C replaced by A.
Protein change: p.Gln710Lys; replaces glutamine 710 with lysine.
Molecular consequence: missense variant. On other transcripts: non-coding transcript variant (1).
Genome position (GRCh38, 1-based): chr16:58,560,214, G>T on the plus strand (C>A on the coding strand, the complement: CNOT1 is on the minus strand). VCF-style: chr16-58560214-G-T. GRCh37 (hg19) VCF-style: chr16-58594118-G-T.
Other names: c.2128C>A, p.Gln710Lys (NM_001265612.2, NM_206999.3); short protein forms Q710K.
Identifiers: ClinVar variation 1702736 (VCV001702736.2), dbSNP rs2151942565, ClinGen allele CA396133058.

ClinVar aggregate classification (germline): Uncertain significance (1 of 4 stars; one submission).

Submission:

GeneDx
Classification: Uncertain significance. Last evaluated: 2022-02-18. Review status: criteria provided, single submitter. Criteria: GeneDx Variant Classification Process June 2021. Collection method: clinical testing. Allele origin: germline. Affected: yes.
Comment: Not observed at significant frequency in large population cohorts (gnomAD); In silico analysis supports that this missense variant does not alter protein structure/function; Has not been previously published as pathogenic or benign to our knowledge